The following is an entry in ClinVar:

NM_182493.3(MYLK3):c.119T>C (p.Leu40Pro)

Gene: MYLK3 (myosin light chain kinase 3; minus strand). Cytogenetic location: 16q11.2.
Variant type: single nucleotide variant.
Coding change: c.119T>C on transcript NM_182493.3 (MANE Select); coding-DNA position 119, T replaced by C.
Protein change: p.Leu40Pro; replaces leucine 40 with proline.
Molecular consequence: missense variant. On other transcripts: intron variant (1).
Genome position (GRCh38, 1-based): chr16:46,748,075, A>G on the plus strand (T>C on the coding strand, the complement: MYLK3 is on the minus strand). VCF-style: chr16-46748075-A-G. GRCh37 (hg19) VCF-style: chr16-46781987-A-G.
Other names: c.-113-7928T>C (NM_001308301.1); short protein forms L40P.
Identifiers: ClinVar variation 4695363 (VCV004695363.1).

ClinVar aggregate classification (germline): Uncertain significance (1 of 4 stars; one submission).

Submission:

Labcorp Genetics (formerly Invitae), Labcorp
Classification: Uncertain significance. Last evaluated: 2025-02-26. Review status: criteria provided, single submitter. Criteria: Invitae Variant Classification Sherloc (09022015). Collection method: clinical testing. Allele origin: germline.
Comment: This sequence change replaces leucine, which is neutral and non-polar, with proline, which is neutral and non-polar, at codon 40 of the MYLK3 protein (p.Leu40Pro). This variant is not present in population databases (gnomAD no frequency). This variant has not been reported in the literature in individuals affected with MYLK3-related conditions. An algorithm developed to predict the effect of missense changes on protein structure and function (PolyPhen-2) suggests that this variant is likely to be disruptive. In summary, the available evidence is currently insufficient to determine the role of this variant in disease. Therefore, it has been classified as a Variant of Uncertain Significance.